The following is an entry in ClinVar:

ClinVar aggregate classification (germline): Likely benign (0 of 4 stars; one submission).

Conditions:
COL11A1-related disorder. Also called: COL11A1-related condition; COL11A1-related disorders.

Allele frequency attached by ClinVar (database versions not stated): gnomAD exomes below 0.00001.
gnomAD v4.1: 1 of 1,613,676 alleles (0.000062%); highest among the groups gnomAD compares: East Asian, 0.0022%; no homozygotes.

Submission:

PreventionGenetics, part of Exact Sciences
Classification: Likely benign for COL11A1-related condition. Last evaluated: 2023-08-17. Review status: no assertion criteria provided. Collection method: clinical testing. Allele origin: germline.
Comment: This variant is classified as likely benign based on ACMG/AMP sequence variant interpretation guidelines (Richards et al. 2015 PMID: 25741868, with internal and published modifications).

NM_001854.4(COL11A1):c.2886T>C (p.Pro962=)

Gene: COL11A1 (collagen type XI alpha 1 chain; minus strand). Cytogenetic location: 1p21.1.
Variant type: single nucleotide variant.
Coding change: c.2886T>C on transcript NM_001854.4 (MANE Select); coding-DNA position 2886, T replaced by C.
Protein change: p.Pro962=; no amino-acid change (proline 962 retained).
Molecular consequence: synonymous variant. On other transcripts: non-coding transcript variant (1).
Genome position (GRCh38, 1-based): chr1:102,965,517, A>G on the plus strand (T>C on the coding strand, the complement: COL11A1 is on the minus strand). VCF-style: chr1-102965517-A-G. GRCh37 (hg19) VCF-style: chr1-103431073-A-G.
Other names: c.2538T>C, p.Pro846= (NM_001168249.1, NM_080630.4); c.2769T>C, p.Pro923= (NM_001190709.2); c.2922T>C, p.Pro974= (NM_080629.3).
Identifiers: ClinVar variation 3055079 (VCV003055079.2), dbSNP rs2524963438, ClinGen allele CA419198095.